The following is an entry in ClinVar:

NM_022051.3(EGLN1):c.452C>T (p.Ala151Val)

Gene: EGLN1 (egl-9 family hypoxia inducible factor 1; minus strand). Cytogenetic location: 1q42.2.
Variant type: single nucleotide variant.
Coding change: c.452C>T on transcript NM_022051.3 (MANE Select); coding-DNA position 452, C replaced by T.
Protein change: p.Ala151Val; replaces alanine 151 with valine.
Molecular consequence: missense variant.
Genome position (GRCh38, 1-based): chr1:231,421,437, G>A on the plus strand (C>T on the coding strand, the complement: EGLN1 is on the minus strand). VCF-style: chr1-231421437-G-A. GRCh37 (hg19) VCF-style: chr1-231557183-G-A.
Other names: c.452C>T, p.Ala151Val (NM_001377260.1, NM_001377261.1); short protein forms A151V.
Identifiers: ClinVar variation 3274760 (VCV003274760.1).

ClinVar aggregate classification (germline): Uncertain significance (1 of 4 stars; one submission).

Submission:

Ambry Genetics
Classification: Uncertain significance. Last evaluated: 2024-03-16. Review status: criteria provided, single submitter. Criteria: Ambry Variant Classification Scheme 2023. Collection method: clinical testing. Allele origin: germline.
Comment: The p.A151V variant (also known as c.452C>T), located in coding exon 1 of the EGLN1 gene, results from a C to T substitution at nucleotide position 452. The alanine at codon 151 is replaced by valine, an amino acid with similar properties. This amino acid position is conserved. In addition, this alteration is predicted to be tolerated by in silico analysis. Based on the available evidence, the clinical significance of this alteration remains unclear.